The following is an entry in ClinVar:

ClinVar aggregate classification (germline): Uncertain significance (1 of 4 stars; one submission).

Conditions:
Congenital disorder of glycosylation (CDG). Also called: Congenital disorders of glycosylation; Carbohydrate-deficient glycoprotein syndrome. Identifiers: Orphanet 137, MedGen C0282577, MONDO:0015286.

Allele frequency attached by ClinVar (database versions not stated): TOPMed below 0.00001; gnomAD 0.00001.
gnomAD v4.1: 3 of 1,614,258 alleles (0.00019%); highest among the groups gnomAD compares: African/African-American, 0.0013%; no homozygotes.

Submission:

Labcorp Genetics (formerly Invitae), Labcorp
Classification: Uncertain significance for Congenital disorder of glycosylation. Last evaluated: 2022-07-12. Review status: criteria provided, single submitter. Criteria: Invitae Variant Classification Sherloc (09022015). Collection method: clinical testing. Allele origin: germline.
Comment: This sequence change replaces asparagine, which is neutral and polar, with histidine, which is basic and polar, at codon 455 of the RPN2 protein (p.Asn455His). This variant is present in population databases (no rsID available, gnomAD 0.007%). This variant has not been reported in the literature in individuals affected with RPN2-related conditions. ClinVar contains an entry for this variant (Variation ID: 835160). Algorithms developed to predict the effect of missense changes on protein structure and function are either unavailable or do not agree on the potential impact of this missense change (SIFT: "Not Available"; PolyPhen-2: "Possibly Damaging"; Align-GVGD: "Not Available"). In summary, the available evidence is currently insufficient to determine the role of this variant in disease. Therefore, it has been classified as a Variant of Uncertain Significance.

NM_002951.5(RPN2):c.1363A>C (p.Asn455His)

Gene: RPN2 (ribophorin II; plus strand). Cytogenetic location: 20q11.23.
Variant type: single nucleotide variant.
Coding change: c.1363A>C on transcript NM_002951.5 (MANE Select); coding-DNA position 1363, A replaced by C.
Protein change: p.Asn455His; replaces asparagine 455 with histidine.
Molecular consequence: missense variant.
Genome position (GRCh38, 1-based): chr20:37,228,613, A>C. VCF-style: chr20-37228613-A-C. GRCh37 (hg19) VCF-style: chr20-35857016-A-C.
Other names: c.1267A>C, p.Asn423His (NM_001135771.3); c.1363A>C, p.Asn455His (NM_001324299.2, NM_001324302.2, NM_001324303.2 and 1 more transcripts); c.1411A>C, p.Asn471His (NM_001324301.2, NM_001324305.2); c.892A>C, p.Asn298His (NM_001324306.2); short protein forms N298H, N423H, N471H, N455H.
Identifiers: ClinVar variation 835160 (VCV000835160.11), dbSNP rs754734597, ClinGen allele CA408850078.